The following is an entry in ClinVar:

ClinVar aggregate classification (germline): Conflicting classifications of pathogenicity. Review status: criteria provided, conflicting classifications (1 of 4 stars). 4 submissions from 4 submitters: Uncertain significance (3); Likely benign (1). Last evaluated 2026-04-27.

Conditions:
Juvenile polyposis syndrome (JPS). Identifiers: Orphanet 2929, MedGen C0345893, MONDO:0017380, OMIM 174900.
Hereditary cancer-predisposing syndrome. Also called: Neoplastic Syndromes, Hereditary; Hereditary neoplastic syndrome; Tumor predisposition; Hereditary Cancer Syndrome. Identifiers: Orphanet 140162, MedGen C0027672, MeSH D009386, MONDO:0015356.
Juvenile polyposis/hereditary hemorrhagic telangiectasia syndrome (JPHT). Also called: JP/HHT SYNDROME; JUVENILE POLYPOSIS WITH HEREDITARY HEMORRHAGIC TELANGIECTASIA; POLYPOSIS, GENERALIZED JUVENILE, WITH PULMONARY ARTERIOVENOUS MALFORMATION; TELANGIECTASIA, HEREDITARY HEMORRHAGIC, WITH JUVENILE POLYPOSIS COLI; Juvenile Polyposis Syndrome / Hereditary Hemorrhagic Telangiectasia (JPS/HHT). Identifiers: Orphanet 2929, MedGen C1832942, MONDO:0008278, OMIM 175050.
Familial thoracic aortic aneurysm and aortic dissection (TAAD). Also called: Thoracic aortic aneurysms and dissections. Identifiers: Orphanet 91387, MedGen C4707243, MONDO:0019625.

Allele frequency attached by ClinVar (database versions not stated): gnomAD exomes below 0.00001.
gnomAD v4.1: 4 of 1,540,190 alleles (0.00026%); highest among the groups gnomAD compares: Non-Finnish European, 0.000088%; no homozygotes.

Submissions (4):

Hema, HEMA – Genetic and Molecular Diagnostic Laboratory
Classification: Uncertain significance for Juvenile polyposis/hereditary hemorrhagic telangiectasia syndrome. Last evaluated: 2026-04-27. Review status: criteria provided, single submitter. Criteria: HEMA Variant Classification Assertion Criteria. Collection method: clinical testing. Allele origin: germline.
Comment: The c.250-4C>G variant is a transversion from cytosine to guanine at position -4 of intron 2 of the SMAD4 gene. PM2_Supporting: Present at very low frequency in the gnomAD v4.1.1 database. BP4: According to the splicing predictor SpliceAI, the variant does not affect splicing (Δ score = 0.0 ≤ 0.1).

Color Diagnostics, LLC DBA Color Health
Classification: Uncertain significance for Hereditary cancer-predisposing syndrome. Last evaluated: 2022-11-07. Review status: criteria provided, single submitter. Criteria: ACMG Guidelines, 2015. Collection method: clinical testing. Allele origin: germline.
Comment: This variant causes a C to G nucleotide substitution at the -4 position of intron 2 of the SMAD4 gene. To our knowledge, RNA studies have not been reported for this variant. This variant has not been reported in individuals affected with SMAD4-related disorders in the literature. This variant has not been identified in the general population by the Genome Aggregation Database (gnomAD). The available evidence is insufficient to determine the role of this variant in disease conclusively. Therefore, this variant is classified as a Variant of Uncertain Significance.

Labcorp Genetics (formerly Invitae), Labcorp
Classification: Likely benign for Juvenile polyposis syndrome. Last evaluated: 2022-10-09. Review status: criteria provided, single submitter. Criteria: Invitae Variant Classification Sherloc (09022015). Collection method: clinical testing. Allele origin: germline.

Ambry Genetics
Classification: Uncertain significance for Hereditary cancer-predisposing syndrome; Familial thoracic aortic aneurysm and aortic dissection. Last evaluated: 2021-05-05. Review status: criteria provided, single submitter. Criteria: Ambry Variant Classification Scheme 2023. Collection method: clinical testing. Allele origin: germline.
Comment: The c.250-4C>G intronic alteration consists of a C to G substitution 4 nucleotides before exon 3 (coding exon 2) of the SMAD4 gene. Based on data from the Genome Aggregation Database (gnomAD), the SMAD4 c.250-4C>G alteration was not observed, with coverage at this position. This nucleotide position is highly conserved in available vertebrate species. In silico splice site analysis predicts that this alteration will not have any significant effect on splicing. Based on insufficient or conflicting evidence, the clinical significance of this alteration remains unclear.

NM_005359.6(SMAD4):c.250-4C>G

Gene: SMAD4 (SMAD family member 4; plus strand). Cytogenetic location: 18q21.2.
Variant type: single nucleotide variant.
Coding change: c.250-4C>G on transcript NM_005359.6 (MANE Select); 4 bases into the intron before coding-DNA position 250, C replaced by G.
Molecular consequence: intron variant.
Genome position (GRCh38, 1-based): chr18:51,048,682, C>G. VCF-style: chr18-51048682-C-G. GRCh37 (hg19) VCF-style: chr18-48575052-C-G.
Identifiers: ClinVar variation 920137 (VCV000920137.10), dbSNP rs1599182375, ClinGen allele CA913203434.